The following is an entry in ClinVar:

ClinVar aggregate classification (germline): Conflicting classifications of pathogenicity. Review status: criteria provided, conflicting classifications (1 of 4 stars). 4 submissions from 4 submitters: Uncertain significance (2); Likely benign (1). 1 of the submissions does not count toward it. Last evaluated 2024-10-02.

Conditions:
Ataxia-telangiectasia syndrome (AT). Also called: AT, COMPLEMENTATION GROUP C; Cerebello-oculocutaneous telangiectasia; Immunodeficiency with ataxia telangiectasia; Ataxia-telangiectasia, complementation group D; ATAXIA-TELANGIECTASIA, FRESNO VARIANT; Ataxia-telangiectasia, complementation group E. Identifiers: Orphanet 100, MedGen C0004135, MONDO:0008840, OMIM 208900.
Hereditary cancer-predisposing syndrome. Also called: Hereditary neoplastic syndrome; Neoplastic Syndromes, Hereditary; Hereditary Cancer Syndrome; Tumor predisposition. Identifiers: Orphanet 140162, MedGen C0027672, MeSH D009386, MONDO:0015356.

Submissions (4):

Ambry Genetics
Classification: Likely benign for Hereditary cancer-predisposing syndrome. Last evaluated: 2024-10-02. Review status: criteria provided, single submitter. Criteria: Ambry Variant Classification Scheme 2023. Collection method: clinical testing. Allele origin: germline.

Labcorp Genetics (formerly Invitae), Labcorp
Classification: Uncertain significance for Ataxia-telangiectasia syndrome. Last evaluated: 2022-08-09. Review status: criteria provided, single submitter. Criteria: Invitae Variant Classification Sherloc (09022015). Collection method: clinical testing. Allele origin: germline.
Comment: This sequence change replaces threonine, which is neutral and polar, with lysine, which is basic and polar, at codon 935 of the ATM protein (p.Thr935Lys). This variant is present in population databases (no rsID available, gnomAD 0.006%). This variant has not been reported in the literature in individuals affected with ATM-related conditions. ClinVar contains an entry for this variant (Variation ID: 570195). Advanced modeling of protein sequence and biophysical properties (such as structural, functional, and spatial information, amino acid conservation, physicochemical variation, residue mobility, and thermodynamic stability) performed at Invitae indicates that this missense variant is not expected to disrupt ATM protein function. In summary, the available evidence is currently insufficient to determine the role of this variant in disease. Therefore, it has been classified as a Variant of Uncertain Significance.

Color Diagnostics, LLC DBA Color Health
Classification: Uncertain significance for Hereditary cancer-predisposing syndrome. Last evaluated: 2019-12-10. Review status: criteria provided, single submitter. Criteria: ACMG Guidelines, 2015. Collection method: clinical testing. Allele origin: germline.
Comment: This missense variant replaces threonine with lysine at codon 935 of the ATM protein. Computational prediction suggests that this variant may not impact protein structure and function (internally defined REVEL score threshold <= 0.5, PMID: 27666373). Splice site prediction tools suggest that this variant may not impact RNA splicing. To our knowledge, functional studies have not been performed for this variant. This variant has not been reported in individuals affected with hereditary cancer in the literature. This variant has been identified in 1/251396 chromosomes in the general population by the Genome Aggregation Database (gnomAD). The available evidence is insufficient to determine the role of this variant in disease conclusively. Therefore, this variant is classified as a Variant of Uncertain Significance.

Natera, Inc.
Classification: Uncertain significance for Ataxia-telangiectasia. Last evaluated: 2021-10-14. Review status: no assertion criteria provided. Collection method: clinical testing. Allele origin: germline. Not counted in ClinVar's aggregate classification.

NM_000051.4(ATM):c.2804C>A (p.Thr935Lys)

Gene: ATM (ATM serine/threonine kinase; plus strand). Cytogenetic location: 11q22.3.
Variant type: single nucleotide variant.
Coding change: c.2804C>A on transcript NM_000051.4 (MANE Select); coding-DNA position 2804, C replaced by A.
Protein change: p.Thr935Lys; replaces threonine 935 with lysine.
Molecular consequence: missense variant.
Genome position (GRCh38, 1-based): chr11:108,268,575, C>A. VCF-style: chr11-108268575-C-A. GRCh37 (hg19) VCF-style: chr11-108139302-C-A.
Other names: c.2804C>A, p.Thr935Lys (NM_001351834.2); short protein forms T935K.
Identifiers: ClinVar variation 570195 (VCV000570195.20), dbSNP rs3218708, ClinGen allele CA382545680.